The following is an entry in ClinVar:

ClinVar aggregate classification (germline): Uncertain significance (1 of 4 stars; one submission).

Conditions:
Hereditary cancer-predisposing syndrome. Also called: Hereditary neoplastic syndrome; Tumor predisposition; Hereditary Cancer Syndrome; Neoplastic Syndromes, Hereditary. Identifiers: Orphanet 140162, MedGen C0027672, MeSH D009386, MONDO:0015356.

Submission:

Ambry Genetics
Classification: Uncertain significance for Hereditary cancer-predisposing syndrome. Last evaluated: 2023-07-27. Review status: criteria provided, single submitter. Criteria: Ambry Variant Classification Scheme 2023. Collection method: clinical testing. Allele origin: germline.
Comment: The p.I302L variant (also known as c.904A>C) is located in coding exon 9 of the EPCAM gene. The isoleucine at codon 302 is replaced by leucine, an amino acid with highly similar properties. This change occurs in the first base pair of coding exon 9. This amino acid position is conserved. In addition, this alteration is predicted to be tolerated by in silico analysis. Since supporting evidence is limited at this time, the clinical significance of this alteration remains unclear.

NM_002354.3(EPCAM):c.904A>C (p.Ile302Leu)

Gene: EPCAM (epithelial cell adhesion molecule; plus strand). Cytogenetic location: 2p21.
Variant type: single nucleotide variant.
Coding change: c.904A>C on transcript NM_002354.3 (MANE Select); coding-DNA position 904, A replaced by C.
Protein change: p.Ile302Leu; replaces isoleucine 302 with leucine.
Molecular consequence: missense variant.
Genome position (GRCh38, 1-based): chr2:47,386,572, A>C. VCF-style: chr2-47386572-A-C. GRCh37 (hg19) VCF-style: chr2-47613711-A-C.
Other names: short protein forms I302L.
Identifiers: ClinVar variation 2586733 (VCV002586733.2), dbSNP rs1373578863, ClinGen allele CA346725915.